The following is an entry in ClinVar:

ClinVar aggregate classification (germline): Likely pathogenic (1 of 4 stars; one submission).

Submission:

Centre of Medical Genetics, University Hospital Muenster
Classification: Likely pathogenic. Last evaluated: 2021-12-08. Review status: criteria provided, single submitter. Criteria: ACMG Guidelines, 2015. Collection method: clinical testing. Allele origin: unknown. Affected: yes. Observed: 1 variant allele, 1 homozygote.
Comment: ACMG categories: PM1,PM2,PP3,PP4

NM_000531.6(OTC):c.962C>T (p.Ser321Leu)

Gene: OTC (ornithine transcarbamylase; plus strand). Cytogenetic location: Xp11.4.
Variant type: single nucleotide variant.
Coding change: c.962C>T on transcript NM_000531.6 (MANE Select); coding-DNA position 962, C replaced by T.
Protein change: p.Ser321Leu; replaces serine 321 with leucine.
Molecular consequence: missense variant.
Genome position (GRCh38, 1-based): chrX:38,411,956, C>T. VCF-style: chrX-38411956-C-T. GRCh37 (hg19) VCF-style: chrX-38271209-C-T.
Other names: c.962C>T, p.Ser321Leu (NM_001407092.1); short protein forms S321L.
Identifiers: ClinVar variation 1708452 (VCV001708452.3), dbSNP rs72558475, ClinGen allele CA412726552.